The following is an entry in ClinVar:

ClinVar aggregate classification (germline): Uncertain significance (1 of 4 stars; one submission).

Allele frequency attached by ClinVar (database versions not stated): TOPMed below 0.00001.

Submission:

Labcorp Genetics (formerly Invitae), Labcorp
Classification: Uncertain significance. Last evaluated: 2023-04-09. Review status: criteria provided, single submitter. Criteria: Invitae Variant Classification Sherloc (09022015). Collection method: clinical testing. Allele origin: germline.
Comment: In summary, the available evidence is currently insufficient to determine the role of this variant in disease. Therefore, it has been classified as a Variant of Uncertain Significance. Algorithms developed to predict the effect of sequence changes on RNA splicing suggest that this variant may create or strengthen a splice site. This variant has not been reported in the literature in individuals affected with COL7A1-related conditions. This variant is not present in population databases (gnomAD no frequency). This sequence change falls in intron 101 of the COL7A1 gene. It does not directly change the encoded amino acid sequence of the COL7A1 protein.

NM_000094.4(COL7A1):c.7615-5C>G

Gene: COL7A1 (collagen type VII alpha 1 chain; minus strand). Cytogenetic location: 3p21.31.
Variant type: single nucleotide variant.
Coding change: c.7615-5C>G on transcript NM_000094.4 (MANE Select); 5 bases into the intron before coding-DNA position 7615, C replaced by G.
Molecular consequence: intron variant.
Genome position (GRCh38, 1-based): chr3:48,569,451, G>C on the plus strand (C>G on the coding strand, the complement: COL7A1 is on the minus strand). VCF-style: chr3-48569451-G-C. GRCh37 (hg19) VCF-style: chr3-48606884-G-C.
Identifiers: ClinVar variation 2968661 (VCV002968661.3), dbSNP rs2043774743, ClinGen allele CA1363078387.
Genomic context (GRCh38, chr3:48,569,451, plus strand): 5'-CCATTGTCTCCCCGAGGTCCTTTGTCACCATCCAAGCCCCGAGGCCCTCGTTCACCCTGG[G>C]TTGGTTTGGGTAAGAAGTCACGGTAAGGGGCTGAAGGTCCCTCACCCTCTGGGAGTTTGA-3'